The following is an entry in ClinVar:

ClinVar aggregate classification (germline): Uncertain significance. Review status: criteria provided, multiple submitters, no conflicts (2 of 4 stars). 3 submissions from 3 submitters: Uncertain significance (3). Last evaluated 2026-08-27.

Conditions:
Inborn genetic diseases. Identifiers: MedGen C0950123, MeSH D030342.

Allele frequency attached by ClinVar (database versions not stated): ExAC 0.00008; ESP Exome Variant Server 0.00008; gnomAD exomes 0.00011; gnomAD 0.00015; TOPMed 0.00017.
gnomAD v4.1: 182 of 1,613,928 alleles (0.011%); highest among the groups gnomAD compares: Middle Eastern, 0.033%; no homozygotes.

Submissions (3):

GeneDx
Classification: Uncertain significance. Last evaluated: 2026-08-27. Review status: criteria provided, single submitter. Criteria: GeneDx Variant Classification Process June 2021. Collection method: clinical testing. Allele origin: germline.
Comment: Not observed at significant frequency in large population cohorts (gnomAD); In silico analysis suggests that this missense variant does not alter protein structure/function; Has not been previously published as pathogenic or benign to our knowledge

Ambry Genetics
Classification: Uncertain significance for Inborn genetic diseases. Last evaluated: 2024-12-14. Review status: criteria provided, single submitter. Criteria: Ambry Variant Classification Scheme 2023. Collection method: clinical testing. Allele origin: germline.

Labcorp Genetics (formerly Invitae), Labcorp
Classification: Uncertain significance. Last evaluated: 2024-01-24. Review status: criteria provided, single submitter. Criteria: Invitae Variant Classification Sherloc (09022015). Collection method: clinical testing. Allele origin: germline.
Comment: This sequence change replaces valine, which is neutral and non-polar, with methionine, which is neutral and non-polar, at codon 2006 of the RTTN protein (p.Val2006Met). This variant is present in population databases (rs200044039, gnomAD 0.01%). This variant has not been reported in the literature in individuals affected with RTTN-related conditions. ClinVar contains an entry for this variant (Variation ID: 2076478). Advanced modeling of protein sequence and biophysical properties (such as structural, functional, and spatial information, amino acid conservation, physicochemical variation, residue mobility, and thermodynamic stability) performed at Invitae indicates that this missense variant is not expected to disrupt RTTN protein function with a negative predictive value of 80%. In summary, the available evidence is currently insufficient to determine the role of this variant in disease. Therefore, it has been classified as a Variant of Uncertain Significance.

NM_173630.4(RTTN):c.6016G>A (p.Val2006Met)

Gene: RTTN (rotatin; minus strand). Cytogenetic location: 18q22.2.
Variant type: single nucleotide variant.
Coding change: c.6016G>A on transcript NM_173630.4 (MANE Select); coding-DNA position 6016, G replaced by A.
Protein change: p.Val2006Met; replaces valine 2006 with methionine.
Molecular consequence: missense variant.
Genome position (GRCh38, 1-based): chr18:70,020,752, C>T on the plus strand (G>A on the coding strand, the complement: RTTN is on the minus strand). VCF-style: chr18-70020752-C-T. GRCh37 (hg19) VCF-style: chr18-67687988-C-T.
Other names: c.3280G>A, p.Val1094Met (NM_001318520.2); c.6016G>A (NM_173630.3); short protein forms V1094M, V2006M.
Identifiers: ClinVar variation 2076478 (VCV002076478.5), dbSNP rs200044039, ClinGen allele CA8994778.